The following is an entry in ClinVar:

NM_005359.6(SMAD4):c.108A>G (p.Ala36=)

Gene: SMAD4 (SMAD family member 4; plus strand). Cytogenetic location: 18q21.2.
Variant type: single nucleotide variant.
Coding change: c.108A>G on transcript NM_005359.6 (MANE Select); coding-DNA position 108, A replaced by G.
Protein change: p.Ala36=; no amino-acid change (alanine 36 retained).
Molecular consequence: synonymous variant.
Genome position (GRCh38, 1-based): chr18:51,047,154, A>G. VCF-style: chr18-51047154-A-G. GRCh37 (hg19) VCF-style: chr18-48573524-A-G.
Identifiers: ClinVar variation 799929 (VCV000799929.11), dbSNP rs1599181126, ClinGen allele CA503873439.

ClinVar aggregate classification (germline): Benign/Likely benign. Review status: criteria provided, multiple submitters, no conflicts (2 of 4 stars). 2 submissions from 2 submitters: Benign (1); Likely benign (1). Last evaluated 2025-03-18.

Conditions:
Juvenile polyposis syndrome (JPS). Identifiers: Orphanet 2929, MedGen C0345893, MONDO:0017380, OMIM 174900.
Juvenile polyposis/hereditary hemorrhagic telangiectasia syndrome (JPHT). Also called: JP/HHT SYNDROME; JUVENILE POLYPOSIS WITH HEREDITARY HEMORRHAGIC TELANGIECTASIA; POLYPOSIS, GENERALIZED JUVENILE, WITH PULMONARY ARTERIOVENOUS MALFORMATION; TELANGIECTASIA, HEREDITARY HEMORRHAGIC, WITH JUVENILE POLYPOSIS COLI; Juvenile Polyposis Syndrome / Hereditary Hemorrhagic Telangiectasia (JPS/HHT). Identifiers: Orphanet 2929, MedGen C1832942, MONDO:0008278, OMIM 175050.

Submissions (2):

Myriad Genetics, Inc.
Classification: Benign for Juvenile polyposis/hereditary hemorrhagic telangiectasia syndrome. Last evaluated: 2025-03-18. Review status: criteria provided, single submitter. Criteria: Myriad Autosomal Dominant, Autosomal Recessive and X-Linked Classification Criteria (2023). Collection method: clinical testing. Allele origin: unknown.
Comment: This variant is considered benign. This variant is a silent/synonymous amino acid change and it is not expected to impact splicing.

Labcorp Genetics (formerly Invitae), Labcorp
Classification: Likely benign for Juvenile polyposis syndrome. Last evaluated: 2019-01-10. Review status: criteria provided, single submitter. Criteria: Invitae Variant Classification Sherloc (09022015). Collection method: clinical testing. Allele origin: germline.